The following is an entry in ClinVar:

NM_000321.3(RB1):c.220del (p.Ala74fs)

Gene: RB1 (RB transcriptional corepressor 1; plus strand). Cytogenetic location: 13q14.2.
Variant type: Deletion.
Coding change: c.220del on transcript NM_000321.3 (MANE Select); coding-DNA position 220, one base deleted (G; older notation c.220delG).
Protein change: p.Ala74fs; shifts the reading frame from alanine 74.
Molecular consequence: frameshift variant.
Genome position (GRCh38, 1-based): chr13:48,307,362, G deleted. VCF-style (leftmost placement, unchanged base first): chr13-48307361-AG-A. GRCh37 (hg19) VCF-style: chr13-48881497-AG-A.
Other names: c.220delG, p.Ala74Leufs (NM_001407165.1, NM_001407166.1, NM_001407167.1); short protein forms A74fs.
Identifiers: ClinVar variation 2022183 (VCV002022183.4), dbSNP rs2542100256, ClinGen allele CA2580087737.

ClinVar aggregate classification (germline): Pathogenic (1 of 4 stars; one submission).

Conditions:
Retinoblastoma (RB1). Also called: RETINOBLASTOMA, SOMATIC. Identifiers: Orphanet 790, MedGen C0035335, MeSH D012175, MONDO:0008380, OMIM 180200, HP:0009919. Disease mechanism: loss of function. Inheritance: Both sporadic and heritable forms are tested..

Submission:

Labcorp Genetics (formerly Invitae), Labcorp
Classification: Pathogenic for Retinoblastoma. Last evaluated: 2022-08-09. Review status: criteria provided, single submitter. Criteria: Invitae Variant Classification Sherloc (09022015). Collection method: clinical testing. Allele origin: germline.
Comment: For these reasons, this variant has been classified as Pathogenic. This variant has not been reported in the literature in individuals affected with RB1-related conditions. This variant is not present in population databases (gnomAD no frequency). This sequence change creates a premature translational stop signal (p.Ala74Leufs*3) in the RB1 gene. It is expected to result in an absent or disrupted protein product. Loss-of-function variants in RB1 are known to be pathogenic (PMID: 17096365).

Literature cited by the submitters: PubMed 17096365.